The following is an entry in ClinVar:

NM_001127208.3(TET2):c.2063A>T (p.Asp688Val)

Genes: TET2 (tet methylcytosine dioxygenase 2; plus strand), TET2-AS1 (TET2 antisense RNA 1; minus strand). Cytogenetic location: 4q24.
Variant type: single nucleotide variant.
Coding change: c.2063A>T on transcript NM_001127208.3 (MANE Select); coding-DNA position 2063, A replaced by T.
Protein change: p.Asp688Val; replaces aspartic acid 688 with valine.
Molecular consequence: missense variant.
Genome position (GRCh38, 1-based): chr4:105,236,005, A>T. VCF-style: chr4-105236005-A-T. GRCh37 (hg19) VCF-style: chr4-106157162-A-T.
Other names: c.2063A>T, p.Asp688Val (NM_017628.4); short protein forms D688V.
Identifiers: ClinVar variation 3657094 (VCV003657094.3).

ClinVar aggregate classification (germline): Uncertain significance. Review status: criteria provided, multiple submitters, no conflicts (2 of 4 stars). 2 submissions from 2 submitters: Uncertain significance (2). Last evaluated 2025-03-25.

Submissions (2):

Ambry Genetics
Classification: Uncertain significance. Last evaluated: 2025-03-25. Review status: criteria provided, single submitter. Criteria: Ambry Variant Classification Scheme 2023. Collection method: clinical testing. Allele origin: germline.
Comment: The p.D688V variant (also known as c.2063A>T), located in coding exon 1 of the TET2 gene, results from an A to T substitution at nucleotide position 2063. The aspartic acid at codon 688 is replaced by valine, an amino acid with highly dissimilar properties. This amino acid position is conserved. In addition, this alteration is predicted to be tolerated by in silico analysis. Based on the available evidence, the clinical significance of this variant remains unclear.

Labcorp Genetics (formerly Invitae), Labcorp
Classification: Uncertain significance. Last evaluated: 2024-06-25. Review status: criteria provided, single submitter. Criteria: Invitae Variant Classification Sherloc (09022015). Collection method: clinical testing. Allele origin: germline.
Comment: This sequence change replaces aspartic acid, which is acidic and polar, with valine, which is neutral and non-polar, at codon 688 of the TET2 protein (p.Asp688Val). This variant is not present in population databases (gnomAD no frequency). This variant has not been reported in the literature in individuals affected with TET2-related conditions. An algorithm developed to predict the effect of missense changes on protein structure and function (PolyPhen-2) suggests that this variant is likely to be disruptive. In summary, the available evidence is currently insufficient to determine the role of this variant in disease. Therefore, it has been classified as a Variant of Uncertain Significance.